The following is an entry in ClinVar:

ClinVar aggregate classification (germline): Uncertain significance. Review status: criteria provided, multiple submitters, no conflicts (2 of 4 stars). 3 submissions from 3 submitters: Uncertain significance (3). Last evaluated 2025-12-22.

Conditions:
OTOG-related disorder. Also called: OTOG-related condition.
Autosomal recessive nonsyndromic hearing loss 18B. Also called: Deafness, autosomal recessive 18b. Identifiers: Orphanet 90636, MedGen C3554163, MONDO:0013985, OMIM 614945.

Allele frequency attached by ClinVar (database versions not stated): gnomAD 0.00011; TOPMed 0.00013; 1000 Genomes Project 30x 0.00016; 1000 Genomes Project 0.00020.
gnomAD v4.1: 108 of 1,550,606 alleles (0.007%); highest among the groups gnomAD compares: Admixed American, 0.029%; no homozygotes.

Submissions (3):

PreventionGenetics, part of Exact Sciences
Classification: Uncertain significance for OTOG-related condition. Last evaluated: 2025-12-22. Review status: criteria provided, single submitter. Criteria: ACMG Guidelines, 2015. Collection method: clinical testing. Allele origin: germline.
Comment: The OTOG c.7093C>T variant is predicted to result in the amino acid substitution p.Arg2365Cys. This variant was has not been reported in hearing loss. This variant is reported in 0.039% of alleles in individuals of East Asian descent in gnomAD. At this time, the clinical significance of this variant is uncertain due to the absence of conclusive functional and genetic evidence.

Labcorp Genetics (formerly Invitae), Labcorp
Classification: Uncertain significance. Last evaluated: 2023-12-11. Review status: criteria provided, single submitter. Criteria: Invitae Variant Classification Sherloc (09022015). Collection method: clinical testing. Allele origin: germline.
Comment: This sequence change replaces arginine, which is basic and polar, with cysteine, which is neutral and slightly polar, at codon 2365 of the OTOG protein (p.Arg2365Cys). This variant is present in population databases (rs184461956, gnomAD 0.04%). This variant has not been reported in the literature in individuals affected with OTOG-related conditions. ClinVar contains an entry for this variant (Variation ID: 1031283). An algorithm developed to predict the effect of missense changes on protein structure and function (PolyPhen-2) suggests that this variant is likely to be disruptive. In summary, the available evidence is currently insufficient to determine the role of this variant in disease. Therefore, it has been classified as a Variant of Uncertain Significance.

Baylor Genetics
Classification: Uncertain significance for Autosomal recessive nonsyndromic hearing loss 18B. Last evaluated: 2019-09-30. Review status: criteria provided, single submitter. Criteria: ACMG Guidelines, 2015. Collection method: clinical testing. Allele origin: unknown. Affected: yes.
Comment: This variant was determined to be of uncertain significance according to ACMG Guidelines, 2015 [PMID:25741868].

NM_001292063.2(OTOG):c.7057C>T (p.Arg2353Cys)

Gene: OTOG (otogelin; plus strand). Cytogenetic location: 11p15.1.
Variant type: single nucleotide variant.
Coding change: c.7057C>T on transcript NM_001292063.2 (MANE Select); coding-DNA position 7057, C replaced by T.
Protein change: p.Arg2353Cys; replaces arginine 2353 with cysteine.
Molecular consequence: missense variant.
Genome position (GRCh38, 1-based): chr11:17,632,211, C>T. VCF-style: chr11-17632211-C-T. GRCh37 (hg19) VCF-style: chr11-17653758-C-T.
Other names: c.7093C>T, p.Arg2365Cys (NM_001277269.2); short protein forms R2365C, R2353C.
Identifiers: ClinVar variation 1031283 (VCV001031283.10), dbSNP rs184461956, ClinGen allele CA218496313.